The following is an entry in ClinVar:

ClinVar aggregate classification (germline): Conflicting classifications of pathogenicity. Review status: criteria provided, conflicting classifications (1 of 4 stars). 2 submissions from 2 submitters: Uncertain significance (1); Likely benign (1). Last evaluated 2026-04-14.

Conditions:
DYRK1A-related intellectual disability syndrome (MRD7). Also called: Intellectual developmental disorder, autosomal dominant 7; DYRK1A Syndrome. Identifiers: Orphanet 464306, MedGen C5568143, MONDO:0013578, OMIM 614104.

gnomAD v4.1: 11 of 1,611,036 alleles (0.00068%); highest among the groups gnomAD compares: South Asian, 0.012%; no homozygotes.

Submissions (2):

Centre for Medical Genetics,  Mumbai
Classification: Likely benign for DYRK1A-related intellectual disability syndrome. Last evaluated: 2026-04-14. Review status: criteria provided, single submitter. Criteria: ACMG Guidelines, 2015. Collection method: provider interpretation. Allele origin: germline. Inheritance: Autosomal dominant inheritance. Affected: no. Observed: 1 variant allele, 1 heterozygote.
Comment: The variant satisfies PM2 criteria - extremely low frequency in gnomAD population databases. The variant satisfies PP2 criteria - missense variant in a gene with low rate of benign missense mutations and for which missense mutation is a common mechanism of a disease. However, the variant satisfies BS2 criteria - present in heterozygous state in an individual that clinically does not have intellectual developmental disorder.

Labcorp Genetics (formerly Invitae), Labcorp
Classification: Uncertain significance for DYRK1A-related intellectual disability syndrome. Last evaluated: 2024-09-24. Review status: criteria provided, single submitter. Criteria: Invitae Variant Classification Sherloc (09022015). Collection method: clinical testing. Allele origin: germline.
Comment: This sequence change replaces serine, which is neutral and polar, with asparagine, which is neutral and polar, at codon 41 of the DYRK1A protein (p.Ser41Asn). This variant is present in population databases (rs754161665, gnomAD 0.01%). This variant has not been reported in the literature in individuals affected with DYRK1A-related conditions. Invitae Evidence Modeling of protein sequence and biophysical properties (such as structural, functional, and spatial information, amino acid conservation, physicochemical variation, residue mobility, and thermodynamic stability) indicates that this missense variant is not expected to disrupt DYRK1A protein function with a negative predictive value of 95%. In summary, the available evidence is currently insufficient to determine the role of this variant in disease. Therefore, it has been classified as a Variant of Uncertain Significance.

Literature cited by the submitters: PubMed 21294719 (cited by Centre for Medical Genetics,  Mumbai).

NM_001347721.2(DYRK1A):c.122G>A (p.Ser41Asn)

Gene: DYRK1A (dual specificity tyrosine phosphorylation regulated kinase 1A; plus strand). Cytogenetic location: 21q22.13.
Variant type: single nucleotide variant.
Coding change: c.122G>A on transcript NM_001347721.2 (MANE Select); coding-DNA position 122, G replaced by A.
Protein change: p.Ser41Asn; replaces serine 41 with asparagine.
Molecular consequence: missense variant.
Genome position (GRCh38, 1-based): chr21:37,472,795, G>A. VCF-style: chr21-37472795-G-A. GRCh37 (hg19) VCF-style: chr21-38845097-G-A.
Other names: c.122G>A, p.Ser41Asn (NM_001347722.2, NM_001396.5, NM_101395.2 and 2 more transcripts); c.35G>A, p.Ser12Asn (NM_001347723.2); short protein forms S12N, S41N.
Identifiers: ClinVar variation 3623824 (VCV003623824.3).
Genomic context (GRCh38, chr21:37,472,795, plus strand): 5'-TTTCATTCCATGCTGCTGGCCTTCAGATGGCTGGACAGATGCCCCATTCACATCAGTACA[G>A]TGACCGTCGCCAGCCAAACATAAGTGACCAACAGGTTTCTGCCTTATCATATTCTGACCA-3'
Protein context (NP_001334650.1, residues 31-51): AGQMPHSHQY[Ser41Asn]DRRQPNISDQ